The following is an entry in ClinVar:

NC_000016.9:g.(?_150360)_(150517_?)dup

Gene: NPRL3 (NPR3 like, GATOR1 complex subunit; minus strand). Cytogenetic location: 16p13.3.
Variant type: Duplication.
Identifiers: ClinVar variation 1010552 (VCV001010552.1).

ClinVar aggregate classification (germline): Uncertain significance (1 of 4 stars; one submission).

Conditions:
Epilepsy, familial focal, with variable foci 3 (FFEVF3). Identifiers: MedGen C4310708, MONDO:0014925, OMIM 617118.

Submission:

Labcorp Genetics (formerly Invitae), Labcorp
Classification: Uncertain significance for Epilepsy, familial focal, with variable foci 3. Last evaluated: 2020-10-09. Review status: criteria provided, single submitter. Criteria: Invitae Variant Classification Sherloc (09022015). Collection method: clinical testing. Allele origin: germline.
Comment: This variant results in a copy number gain of the genomic region encompassing exon(s) 8 of the NPRL3 gene. While the exact position of this variant cannot be determined from the data, sub-genic copy number gains are generally in tandem (PMID: 25640679). This variant is predicted to be in-frame, and likely preserves the integrity of the reading frame. This variant has been observed in individual(s) with clinical features of NPRL3-related conditions (Invitae). In summary, the available evidence is currently insufficient to determine the role of this variant in disease. Therefore, it has been classified as a Variant of Uncertain Significance.

Literature cited by the submitters: PubMed 25640679.